The following is an entry in ClinVar:

NM_000540.3(RYR1):c.12599A>G (p.Asn4200Ser)

Gene: RYR1 (ryanodine receptor 1; plus strand). Cytogenetic location: 19q13.2.
Variant type: single nucleotide variant.
Coding change: c.12599A>G on transcript NM_000540.3 (MANE Select); coding-DNA position 12599, A replaced by G.
Protein change: p.Asn4200Ser; replaces asparagine 4200 with serine.
Molecular consequence: missense variant.
Genome position (GRCh38, 1-based): chr19:38,561,429, A>G. VCF-style: chr19-38561429-A-G. GRCh37 (hg19) VCF-style: chr19-39052069-A-G.
Other names: c.12584A>G, p.Asn4195Ser (NM_001042723.2); short protein forms N4200S, N4195S.
Identifiers: ClinVar variation 478174 (VCV000478174.15), dbSNP rs199660276, ClinGen allele CA308106007.
Genomic context (GRCh38, chr19:38,561,429, plus strand): 5'-TCGAGATCATGGGCGCGTCACGCCGCATCGAGCGCATCTACTTCGAGATCTCAGAGACCA[A>G]CCGCGCCCAGTGGGAGATGCCCCAGGTCAGGGAACCCGCGCGCGTGCAAGCTCGCCTCCT-3'
Protein context (NP_000531.2, residues 4190-4210): ERIYFEISET[Asn4200Ser]RAQWEMPQVK

ClinVar aggregate classification (germline): Uncertain significance. Review status: criteria provided, multiple submitters, no conflicts (2 of 4 stars). 6 submissions from 6 submitters: Uncertain significance (6). Last evaluated 2025-10-16.

Conditions:
King Denborough syndrome (KDS). Identifiers: MedGen C1840365, MONDO:0020485, OMIM 619542.
Congenital myopathy with fiber type disproportion. Also called: Congenital fiber-type disproportion myopathy; Congenital fiber-type disproportion. Identifiers: Orphanet 2020, MedGen C0546264, MONDO:0009711. Inheritance: all.
Central core myopathy (CMYO1A). Also called: Central core disease; Myopathy, central fibrillar; CONGENITAL MYOPATHY 1A, AUTOSOMAL DOMINANT, WITH SUSCEPTIBILITY TO MALIGNANT HYPERTHERMIA. Identifiers: Orphanet 597, MedGen C5830701, MONDO:0007294, OMIM 117000.
Malignant hyperthermia, susceptibility to, 1 (MHS1). Also called: Anesthesia related hyperthermia; Malignant hyperpyrexia; Fulminating hyperpyrexia; Pharmacogenic myopathy; Malignant hyperthermia suceptibility 1; RYR1-Related Malignant Hyperthermia Susceptibility. Identifiers: Orphanet 423, MedGen C2930980, MONDO:0007783, OMIM 145600.
Congenital multicore myopathy with external ophthalmoplegia (CMYO1B). Also called: Minicore myopathy with external ophthalmoplegia; MULTICORE MYOPATHY; Congenital myopathy 1B, autosomal recessive; Minicore myopathy; MULTIMINICORE DISEASE WITH EXTERNAL OPHTHALMOPLEGIA. Identifiers: Orphanet 598, Orphanet 98905, MedGen C1850674, MONDO:0009712, OMIM 255320, HP:0003789.
RYR1-related disorder. Also called: RYR1-related condition; RYR1-related disorders. Identifiers: MedGen CN239331.

Submissions (6):

Labcorp Genetics (formerly Invitae), Labcorp
Classification: Uncertain significance for RYR1-related disorder. Last evaluated: 2025-10-16. Review status: criteria provided, single submitter. Criteria: Invitae Variant Classification Sherloc (09022015). Collection method: clinical testing. Allele origin: germline.
Comment: This sequence change replaces asparagine, which is neutral and polar, with serine, which is neutral and polar, at codon 4200 of the RYR1 protein (p.Asn4200Ser). This variant is not present in population databases (gnomAD no frequency). This missense change has been observed in individual(s) with axial myopathy (PMID: 23478172). ClinVar contains an entry for this variant (Variation ID: 478174). Invitae Evidence Modeling of protein sequence and biophysical properties (such as structural, functional, and spatial information, amino acid conservation, physicochemical variation, residue mobility, and thermodynamic stability) indicates that this missense variant is not expected to disrupt RYR1 protein function with a negative predictive value of 80%. In summary, the available evidence is currently insufficient to determine the role of this variant in disease. Therefore, it has been classified as a Variant of Uncertain Significance.

PreventionGenetics, part of Exact Sciences
Classification: Uncertain significance for RYR1-related condition. Last evaluated: 2023-05-09. Review status: criteria provided, single submitter. Criteria: ACMG Guidelines, 2015. Collection method: clinical testing. Allele origin: germline.
Comment: The RYR1 c.12599A>G variant is predicted to result in the amino acid substitution p.Asn4200Ser. This variant was reported in a patient with axial myopathy; however, this patient had additional variants in other candidate genes (Proband 2 in Clarke et al. 2013. PubMed ID: 23478172). This variant has not been reported in a large population database, indicating this variant is rare. At this time, the clinical significance of this variant is uncertain due to the absence of conclusive functional and genetic evidence.

All of Us Research Program, National Institutes of Health
Classification: Uncertain significance for Malignant hyperthermia, susceptibility to, 1. Last evaluated: 2022-12-07. Review status: criteria provided, single submitter. Criteria: ACMG Guidelines, 2015. Collection method: clinical testing. Allele origin: germline. Inheritance: Autosomal dominant inheritance. Observed: 1 variant allele, 1 heterozygote.
Comment: This study involves interpretation of variants in research participants for the purpose of population health screening. Participant phenotype was not available at the time of variant classification. Additional details can be found in publication PMID: 35346344, PMCID: PMC8962531

Fulgent Genetics
Classification: Uncertain significance for Central core myopathy; Malignant hyperthermia, susceptibility to, 1; Congenital myopathy 4A, autosomal dominant; Congenital multicore myopathy with external ophthalmoplegia; King Denborough syndrome. Last evaluated: 2021-10-29. Review status: criteria provided, single submitter. Criteria: ACMG Guidelines, 2015. Collection method: clinical testing. Allele origin: unknown.

GeneDx
Classification: Uncertain significance. Last evaluated: 2019-04-22. Review status: criteria provided, single submitter. Criteria: GeneDx Variant Classification Process June 2021. Collection method: clinical testing. Allele origin: germline. Affected: yes.
Comment: Reported as heterozygous in an individual with axial myopathy, in whom a variant in the MYH7 gene was also detected and believed to be causative; a healthy parent was also heterozygous for the RYR1 variant (Clarke et al., 2013); In silico analysis, which includes protein predictors and evolutionary conservation, supports that this variant does not alter protein structure/function; Not observed in large population cohorts (Lek et al., 2016); This variant is associated with the following publications: (PMID: 23478172)

Athena Diagnostics
Classification: Uncertain significance. Last evaluated: 2018-08-27. Review status: criteria provided, single submitter. Criteria: Athena Diagnostics Criteria. Collection method: clinical testing. Allele origin: germline.

Literature cited by the submitters: PubMed 23478172 (cited by Labcorp Genetics (formerly Invitae), Labcorp and Athena Diagnostics).